The following is an entry in ClinVar:

ClinVar aggregate classification (germline): Uncertain significance. Review status: criteria provided, multiple submitters, no conflicts (2 of 4 stars). 6 submissions from 6 submitters: Uncertain significance (6). Last evaluated 2025-11-24.

Conditions:
TTN-related disorder. Also called: TTN-related disorders; TTN-related condition; TTN-related disease.
Dilated cardiomyopathy 1G (CMD1G). Identifiers: Orphanet 154, MedGen C1858763, MONDO:0011400, OMIM 604145.
Autosomal recessive limb-girdle muscular dystrophy type 2J (LGMDR10). Also called: MUSCULAR DYSTROPHY, LIMB-GIRDLE, AUTOSOMAL RECESSIVE 10; Limb-girdle muscular dystrophy, type 2J. Identifiers: Orphanet 140922, MedGen C1837342, MONDO:0012127, OMIM 608807.
Myopathy, myofibrillar, 9, with early respiratory failure (MFM9). Also called: Hereditary myopathy with early respiratory failure; EDSTROM MYOPATHY; Myopathy, distal, with early respiratory failure, autosomal dominant; MYOPATHY, PROXIMAL, WITH EARLY RESPIRATORY MUSCLE INVOLVEMENT. Identifiers: Orphanet 178464, Orphanet 34521, MedGen C1863599, MONDO:0011362, OMIM 603689.
Early-onset myopathy with fatal cardiomyopathy (CMYO5). Also called: CONGENITAL MYOPATHY 5 WITH CARDIOMYOPATHY; Salih Myopathy. Identifiers: Orphanet 289377, MedGen C2673677, MONDO:0012714, OMIM 611705. Disease mechanism: loss of function.
Hypertrophic cardiomyopathy 9. Also called: Familial hypertrophic cardiomyopathy 9. Identifiers: MedGen C1861065, MONDO:0013412, OMIM 613765.
Cardiovascular phenotype. Identifiers: MedGen CN230736.

Allele frequency attached by ClinVar (database versions not stated): ExAC 0.00001; gnomAD exomes 0.00002 and 0.00001; TOPMed 0.00003; gnomAD 0.00003 and 0.00001.

Submissions (6):

Labcorp Genetics (formerly Invitae), Labcorp
Classification: Uncertain significance for Dilated cardiomyopathy 1G; Autosomal recessive limb-girdle muscular dystrophy type 2J. Last evaluated: 2025-11-24. Review status: criteria provided, single submitter. Criteria: Invitae Variant Classification Sherloc (09022015). Collection method: clinical testing. Allele origin: germline.
Comment: This sequence change falls in intron 286 of the TTN gene. It does not directly change the encoded amino acid sequence of the TTN protein. It affects a nucleotide within the consensus splice site. This variant is present in population databases (rs754717390, gnomAD 0.02%). This variant has been observed in individual(s) with dilated cardiomyopathy and/or hypertrophic cardiomyopathy (PMID: 28822653; internal data). ClinVar contains an entry for this variant (Variation ID: 202391). Variants that disrupt the consensus splice site are a relatively common cause of aberrant splicing (PMID: 17576681, 9536098). Algorithms developed to predict the effect of sequence changes on RNA splicing suggest that this variant may disrupt the consensus splice site. This variant is located in the A band of TTN (PMID: 25589632). Variants in this region may be relevant for cardiac or neuromuscular disorders (PMID: 25589632, 23975875). In summary, the available evidence is currently insufficient to determine the role of this variant in disease. Therefore, it has been classified as a Variant of Uncertain Significance.

PreventionGenetics, part of Exact Sciences
Classification: Uncertain significance for TTN-related condition. Last evaluated: 2025-09-15. Review status: criteria provided, single submitter. Criteria: ACMG Guidelines, 2015. Collection method: clinical testing. Allele origin: germline.
Comment: The TTN c.55432+5G>C variant is predicted to interfere with splicing. This variant is predicted to impact splicing based on splicing prediction programs (SpliceAI, Jaganathan K, et al. 2019. PubMed ID: 30661751) and has been shown to affect splicing using a functional assay (Supplemental Table 3, Patel et al. 2021. PubMed ID: 34461741). This variant has been reported in an individual from a hypertrophic cardiomyopathy cohort who also had an MYBPC3 nonsense variant, but was also reported in a control individual (referred to as c.G55432+5C in Tables S2 and S3, Zhang et al. 2017. PubMed ID: 28822653). This variant is reported in 0.022% of alleles in individuals of East Asian descent in gnomAD and is interpreted as uncertain in ClinVar (Variation ID: 202391). This variant is located in the A-band region of the protein in which truncating TTN variants have been found more frequently in dilated cardiomyopathy patients than in controls (Herman et al. 2012. PubMed ID: 22335739). RNAseq studies from heart tissue indicate this exon is commonly included in TTN mRNA transcripts (PSI of 90%-100%, Roberts et al. 2015. PubMed ID: 25589632). TTN loss-of-function variants occurring in constitutively expressed exons (PSI > 90%) are more likely to be disease causing for TTN cardiac-related disorders regardless of band location (Roberts et al. 2015. PubMed ID: 25589632; Schafer et al. 2017. PubMed ID: 27869827; Akhtar et al. 2020. PubMed ID: 32964742). Many cases of recessive TTN-related myopathies in which the individual is compound heterozygous for two loss-of-function variants in TTN have also been reported (Ge et al. 2019. PubMed ID: 31053406; Oates et al. 2018. PubMed ID: 29691892; Rees et al. 2021. PubMed ID: 33449170). At this time, the clinical significance of this variant is uncertain due to the absence of conclusive functional and genetic evidence.

Blueprint Genetics
Classification: Uncertain significance. Last evaluated: 2024-11-18. Review status: criteria provided, single submitter. Criteria: ACMG Guidelines, 2015. Collection method: clinical testing. Allele origin: germline.

GeneDx
Classification: Uncertain significance. Last evaluated: 2024-02-21. Review status: criteria provided, single submitter. Criteria: GeneDx Variant Classification Process June 2021. Collection method: clinical testing. Allele origin: germline. Affected: yes.
Comment: Identified in one patient with HCM who harbored a second variant in the MYBPC3 gene and in one control (PMID: 28822653); This variant is associated with the following publications: (PMID: 28822653)

Ambry Genetics
Classification: Uncertain significance for Cardiovascular phenotype. Last evaluated: 2023-01-13. Review status: criteria provided, single submitter. Criteria: Ambry Variant Classification Scheme 2023. Collection method: clinical testing. Allele origin: germline.
Comment: The c.28237+5G>C intronic variant results from a G to C substitution 5 nucleotides after coding exon 113 in the TTN gene. This variant (referred to as c.G55432+5C) co-occurred with an MYBPC3 nonsense variant in an individual from a hypertrophic cardiomyopathy cohort, and was also detected in a control individual from the same study (Zhang C et al. Can J Cardiol, 2017 Oct;33:1292-1297). This nucleotide position is highly conserved in available vertebrate species. In silico splice site analysis for this alteration is inconclusive. Since supporting evidence is limited at this time, the clinical significance of this alteration remains unclear.

Clinical Genetics Laboratory, Skane University Hospital Lund
Classification: Uncertain significance. Last evaluated: 2022-10-06. Review status: criteria provided, single submitter. Criteria: ACMG Guidelines, 2015. Collection method: clinical testing. Allele origin: germline. Affected: yes.

Literature cited by the submitters: PubMed 28822653 (cited by Labcorp Genetics (formerly Invitae), Labcorp and Ambry Genetics); PubMed 17576681 (cited by Labcorp Genetics (formerly Invitae), Labcorp); PubMed 9536098 (cited by Labcorp Genetics (formerly Invitae), Labcorp); PubMed 25589632 (cited by Labcorp Genetics (formerly Invitae), Labcorp); PubMed 23975875 (cited by Labcorp Genetics (formerly Invitae), Labcorp).

NM_001267550.2(TTN):c.55432+5G>C

Genes: TTN-AS1 (TTN antisense RNA 1; plus strand), TTN (titin; minus strand). Cytogenetic location: 2q31.2.
Variant type: single nucleotide variant.
Coding change: c.55432+5G>C on transcript NM_001267550.2 (MANE Select); 5 bases into the intron after coding-DNA position 55432, G replaced by C.
Molecular consequence: intron variant.
Genome position (GRCh38, 1-based): chr2:178,601,653, C>G on the plus strand (G>C on the coding strand, the complement: TTN is on the minus strand). VCF-style: chr2-178601653-C-G. GRCh37 (hg19) VCF-style: chr2-179466380-C-G.
Other names: c.28237+5G>C (NM_003319.4); c.28813+5G>C (NM_133437.4); c.28612+5G>C (NM_133432.3); c.47728+5G>C (NM_133378.4); c.50509+5G>C (NM_001256850.1).
Identifiers: ClinVar variation 202391 (VCV000202391.21), dbSNP rs754717390, ClinGen allele CA309276.